The following is an entry in ClinVar:

NM_001387025.1(GRAMD1B):c.1854T>C (p.His618=)

Gene: GRAMD1B (GRAM domain containing 1B; plus strand). Cytogenetic location: 11q24.1.
Variant type: single nucleotide variant.
Coding change: c.1854T>C on transcript NM_001387025.1 (MANE Select); coding-DNA position 1854, T replaced by C.
Protein change: p.His618=; no amino-acid change (histidine 618 retained).
Molecular consequence: synonymous variant.
Genome position (GRCh38, 1-based): chr11:123,610,273, T>C. VCF-style: chr11-123610273-T-C. GRCh37 (hg19) VCF-style: chr11-123480981-T-C.
Other names: c.1446T>C, p.His482= (NM_001286563.3); c.1305T>C, p.His435= (NM_001286564.3, NM_001330396.3, NM_001387030.1 and 5 more transcripts); c.1506T>C, p.His502= (NM_001367418.2, NM_001367419.2, NM_001367420.2); c.1722T>C, p.His574= (NM_001367421.2); c.1854T>C, p.His618= (NM_001387024.1); c.1851T>C, p.His617= (NM_001387026.1); c.1425T>C, p.His475= (NM_001387028.1, NM_001387029.1, NM_020716.4).
Identifiers: ClinVar variation 3059209 (VCV003059209.2), dbSNP rs10893053, ClinGen allele CA6333708.

ClinVar aggregate classification (germline): Benign (0 of 4 stars; one submission).

Conditions:
GRAMD1B-related disorder. Also called: GRAMD1B-related condition.

Allele frequency attached by ClinVar (database versions not stated): TOPMed 0.23681; 1000 Genomes Project 30x 0.23860; 1000 Genomes Project 0.24181; gnomAD 0.24925; ESP Exome Variant Server 0.25208; ExAC 0.30138.
gnomAD v4.1: 508,639 of 1,613,334 alleles (32%); highest among the groups gnomAD compares: South Asian, 42%; 83,966 homozygotes.

Submission:

PreventionGenetics, part of Exact Sciences
Classification: Benign for GRAMD1B-related condition. Last evaluated: 2019-10-21. Review status: no assertion criteria provided. Collection method: clinical testing. Allele origin: germline.
Comment: This variant is classified as benign based on ACMG/AMP sequence variant interpretation guidelines (Richards et al. 2015 PMID: 25741868, with internal and published modifications).